The following is an entry in ClinVar:

NM_201378.4(PLEC):c.71-5980C>T

Gene: PLEC (plectin; minus strand). Cytogenetic location: 8q24.3.
Variant type: single nucleotide variant.
Coding change: c.71-5980C>T on transcript NM_201378.4 (MANE Plus Clinical); 5980 bases into the intron before coding-DNA position 71, C replaced by T.
Molecular consequence: intron variant. On other transcripts: 5 prime UTR variant (1).
Genome position (GRCh38, 1-based): chr8:143,944,672, G>A on the plus strand (C>T on the coding strand, the complement: PLEC is on the minus strand). VCF-style: chr8-143944672-G-A. GRCh37 (hg19) VCF-style: chr8-145018840-G-A.
Other names: c.-9C>T (NM_201381.3); c.194-5980C>T (NM_001410941.1, NM_000445.5); c.47-5980C>T (NM_201379.3); c.523+5512C>T (NM_201380.4).
Identifiers: ClinVar variation 3048554 (VCV003048554.2), dbSNP rs781970983, ClinGen allele CA4928846.

ClinVar aggregate classification (germline): Likely benign (0 of 4 stars; one submission).

Conditions:
PLEC-related disorder. Also called: PLEC-related disorders; PLEC-related condition.

Allele frequency attached by ClinVar (database versions not stated): TOPMed 0.00001; gnomAD exomes 0.00002; gnomAD 0.00001; ExAC 0.00002.
gnomAD v4.1: 8 of 1,336,850 alleles (0.0006%); highest among the groups gnomAD compares: Non-Finnish European, 0.00077%; no homozygotes.

Submission:

PreventionGenetics, part of Exact Sciences
Classification: Likely benign for PLEC-related condition. Last evaluated: 2023-12-18. Review status: no assertion criteria provided. Collection method: clinical testing. Allele origin: germline.
Comment: This variant is classified as likely benign based on ACMG/AMP sequence variant interpretation guidelines (Richards et al. 2015 PMID: 25741868, with internal and published modifications).